The following is an entry in ClinVar:

NM_001035.3(RYR2):c.9366A>G (p.Ile3122Met)

Gene: RYR2 (ryanodine receptor 2; plus strand). Cytogenetic location: 1q43.
Variant type: single nucleotide variant.
Coding change: c.9366A>G on transcript NM_001035.3 (MANE Select); coding-DNA position 9366, A replaced by G.
Protein change: p.Ile3122Met; replaces isoleucine 3122 with methionine.
Molecular consequence: missense variant.
Genome position (GRCh38, 1-based): chr1:237,700,466, A>G. VCF-style: chr1-237700466-A-G. GRCh37 (hg19) VCF-style: chr1-237863766-A-G.
Other names: short protein forms I3122M.
Identifiers: ClinVar variation 844206 (VCV000844206.11), dbSNP rs1687868751, ClinGen allele CA345406266.
Genomic context (GRCh38, chr1:237,700,466, plus strand): 5'-GCCAATGCTGTCTTCATTATTTGAACATATTGGCCAGCATCAGTTCGGAGAAGACCTAAT[A>G]TGTATGTAAATTTATATCTTGGAGTTTTTTTTTTTTTAATCGAAATACCCTGTAGTACAA-3'
Protein context (NP_001026.2, residues 3112-3132): IGQHQFGEDL[Ile3122Met]LEDVQVSCYR

ClinVar aggregate classification (germline): Uncertain significance (1 of 4 stars; one submission).

Conditions:
Catecholaminergic polymorphic ventricular tachycardia 1. Also called: VENTRICULAR TACHYCARDIA, CATECHOLAMINERGIC POLYMORPHIC, 1, WITH OR WITHOUT ATRIAL DYSFUNCTION AND/OR DILATED CARDIOMYOPATHY; VENTRICULAR TACHYCARDIA, STRESS-INDUCED POLYMORPHIC 1; RYR2-Related Catecholaminergic Polymorphic Ventricular Tachycardia. Identifiers: Orphanet 3286, MedGen C1631597, MONDO:0011484, OMIM 604772.

Submission:

Labcorp Genetics (formerly Invitae), Labcorp
Classification: Uncertain significance for Catecholaminergic polymorphic ventricular tachycardia 1. Last evaluated: 2019-06-17. Review status: criteria provided, single submitter. Criteria: Invitae Variant Classification Sherloc (09022015). Collection method: clinical testing. Allele origin: germline.
Comment: This sequence change replaces isoleucine with methionine at codon 3122 of the RYR2 protein (p.Ile3122Met). The isoleucine residue is highly conserved and there is a small physicochemical difference between isoleucine and methionine. This variant is not present in population databases (ExAC no frequency). This variant has not been reported in the literature in individuals with RYR2-related conditions. Algorithms developed to predict the effect of missense changes on protein structure and function are either unavailable or do not agree on the potential impact of this missense change (SIFT: "Deleterious"; PolyPhen-2: "Benign"; Align-GVGD: "Class C0"). In summary, the available evidence is currently insufficient to determine the role of this variant in disease. Therefore, it has been classified as a Variant of Uncertain Significance.